The following is an entry in ClinVar:

NM_001330360.2(POLA1):c.4002C>T (p.Asn1334=)

Gene: POLA1 (DNA polymerase alpha 1, catalytic subunit; plus strand). Cytogenetic location: Xp22.11.
Variant type: single nucleotide variant.
Coding change: c.4002C>T on transcript NM_001330360.2 (MANE Select); coding-DNA position 4002, C replaced by T.
Protein change: p.Asn1334=; no amino-acid change (asparagine 1334 retained).
Molecular consequence: synonymous variant. On other transcripts: non-coding transcript variant (2).
Genome position (GRCh38, 1-based): chrX:24,843,632, C>T. VCF-style: chrX-24843632-C-T. GRCh37 (hg19) VCF-style: chrX-24861749-C-T.
Other names: c.3927C>T, p.Asn1309= (NM_001378303.1); c.3984C>T, p.Asn1328= (NM_016937.4).
Identifiers: ClinVar variation 1567009 (VCV001567009.10), dbSNP rs141666924, ClinGen allele CA10373657.

ClinVar aggregate classification (germline): Likely benign. Review status: criteria provided, multiple submitters, no conflicts (2 of 4 stars). 3 submissions from 3 submitters: Likely benign (3). Last evaluated 2026-09-01.

Allele frequency attached by ClinVar (database versions not stated): gnomAD 0.00007 and 0.00008; TOPMed 0.00008; gnomAD exomes 0.00009 and 0.00011; ExAC 0.00013; ESP Exome Variant Server 0.00019.
gnomAD v4.1: 101 of 1,181,722 alleles (0.0085%); highest among the groups gnomAD compares: Middle Eastern, 0.047%; no homozygotes.

Submissions (3):

CeGaT Center for Human Genetics Tuebingen
Classification: Likely benign. Last evaluated: 2026-09-01. Review status: criteria provided, single submitter. Criteria: CeGaT Center For Human Genetics Tuebingen Variant Classification Criteria Version 2. Collection method: clinical testing. Allele origin: germline. Affected: yes. Observed: 2 variant alleles.
Comment: POLA1: BP4, BP7, BS2

Labcorp Genetics (formerly Invitae), Labcorp
Classification: Likely benign. Last evaluated: 2025-12-03. Review status: criteria provided, single submitter. Criteria: Invitae Variant Classification Sherloc (09022015). Collection method: clinical testing. Allele origin: germline.

Blueprint Genetics
Classification: Likely benign. Last evaluated: 2024-09-12. Review status: criteria provided, single submitter. Criteria: ACMG Guidelines, 2015. Collection method: clinical testing. Allele origin: germline.